The following is an entry in ClinVar:

NM_024665.7(TBL1XR1):c.204+1G>C

Gene: TBL1XR1 (TBL1X/Y related 1; minus strand). Cytogenetic location: 3q26.32.
Variant type: single nucleotide variant.
Coding change: c.204+1G>C on transcript NM_024665.7 (MANE Select); the canonical splice donor site of the intron after coding-DNA position 204, G replaced by C.
Molecular consequence: splice donor variant.
Genome position (GRCh38, 1-based): chr3:177,053,772, C>G on the plus strand (G>C on the coding strand, the complement: TBL1XR1 is on the minus strand). VCF-style: chr3-177053772-C-G. GRCh37 (hg19) VCF-style: chr3-176771560-C-G.
Other names: NC_000003.11:g.176771560C>G; c.204+1G>C (NM_024665.5, NM_001374327.1, NM_001321194.3 and 3 more transcripts); c.-58+1G>C (NM_001374330.1, NM_001321195.3).
Identifiers: ClinVar variation 4523997 (VCV004523997.2).

ClinVar aggregate classification (germline): Likely pathogenic (1 of 4 stars; one submission).

Conditions:
TBL1XR1-related disorder. Also called: TBL1XR1-related condition; TBL1XR1-related disorders. Identifiers: MedGen CN382633, MONDO:1060313.

Submissions (2):

PreventionGenetics, part of Exact Sciences
Classification: Likely pathogenic for TBL1XR1-related condition. Last evaluated: 2025-08-05. Review status: criteria provided, single submitter. Criteria: ACMG Guidelines, 2015. Collection method: clinical testing. Allele origin: germline.
Comment: The TBL1XR1 c.204+1G>C variant is predicted to disrupt the GT donor site and interfere with normal splicing. To our knowledge, this variant has not been reported in the literature or in a large population database (gnomAD), indicating this variant is rare. Variants that disrupt a consensus splice donor site in TBL1XR1 are expected to be pathogenic. This variant is interpreted as likely pathogenic.

Dr. Peter K. Rogan Lab, Western University
No classification provided (evidence only). Condition: Familial cancer of breast. Review status: no classification provided. Collection method: in vitro. Allele origin: not applicable. Functional consequence: skipped exon. Not counted in ClinVar's aggregate classification.